The following is an entry in ClinVar:

ClinVar aggregate classification (germline): Likely benign (1 of 4 stars; one submission).

Allele frequency attached by ClinVar (database versions not stated): gnomAD 0.00004; ExAC 0.00006.
gnomAD v4.1: 68 of 1,613,904 alleles (0.0042%); highest among the groups gnomAD compares: East Asian, 0.033%; no homozygotes.

Submission:

CeGaT Center for Human Genetics Tuebingen
Classification: Likely benign. Last evaluated: 2022-11-01. Review status: criteria provided, single submitter. Criteria: CeGaT Center For Human Genetics Tuebingen Variant Classification Criteria Version 2. Collection method: clinical testing. Allele origin: germline. Affected: yes. Observed: 1 variant allele.
Comment: ZNF536: BP4, BP7

NM_014717.3(ZNF536):c.3534C>T (p.Asn1178=)

Gene: ZNF536 (zinc finger protein 536; plus strand). Cytogenetic location: 19q12.
Variant type: single nucleotide variant.
Coding change: c.3534C>T on transcript NM_014717.3 (MANE Select); coding-DNA position 3534, C replaced by T.
Protein change: p.Asn1178=; no amino-acid change (asparagine 1178 retained).
Molecular consequence: synonymous variant.
Genome position (GRCh38, 1-based): chr19:30,549,153, C>T. VCF-style: chr19-30549153-C-T. GRCh37 (hg19) VCF-style: chr19-31040060-C-T.
Other names: c.3534C>T, p.Asn1178= (NM_001352260.2, NM_001376110.1, NM_001376111.1).
Identifiers: ClinVar variation 2649675 (VCV002649675.24), dbSNP rs775487730, ClinGen allele CA9353781.